The following is an entry in ClinVar:

ClinVar aggregate classification (germline): Uncertain significance (1 of 4 stars; one submission).

gnomAD v4.1: 2 of 1,614,256 alleles (0.00012%); highest among the groups gnomAD compares: Non-Finnish European, 0.00017%; no homozygotes.

Submission:

GeneDx
Classification: Uncertain significance. Last evaluated: 2024-06-03. Review status: criteria provided, single submitter. Criteria: GeneDx Variant Classification Process June 2021. Collection method: clinical testing. Allele origin: germline. Affected: yes.
Comment: Has not been previously published as pathogenic or benign to our knowledge; Not observed at significant frequency in large population cohorts (gnomAD); In silico analysis indicates that this missense variant does not alter protein structure/function

NM_002474.3(MYH11):c.3621G>C (p.Glu1207Asp)

Gene: MYH11 (myosin heavy chain 11; minus strand). Cytogenetic location: 16p13.11.
Variant type: single nucleotide variant.
Coding change: c.3621G>C on transcript NM_002474.3 (MANE Select); coding-DNA position 3621, G replaced by C.
Protein change: p.Glu1207Asp; replaces glutamic acid 1207 with aspartic acid.
Molecular consequence: missense variant.
Genome position (GRCh38, 1-based): chr16:15,732,594, C>G on the plus strand (G>C on the coding strand, the complement: MYH11 is on the minus strand). VCF-style: chr16-15732594-C-G. GRCh37 (hg19) VCF-style: chr16-15826451-C-G.
Other names: c.3642G>C, p.Glu1214Asp (NM_001040113.2, NM_001040114.2); c.3621G>C, p.Glu1207Asp (NM_022844.3); short protein forms E1207D, E1214D.
Identifiers: ClinVar variation 3384373 (VCV003384373.1).
Genomic context (GRCh38, chr16:15,732,594, plus strand): 5'-TCACCAAAAAGCATCACCAAAAAGCATTACCCTCTTGAACTGCTCAAGCTGCTCTGTGAG[C>G]TCCTCCACCGCCTGTGCGTGTTTCTGCCTCATCTCCTGGACCTGAGCCTCATGGGACCGC-3'
Protein context (NP_002465.1, residues 1197-1217): MRQKHAQAVE[Glu1207Asp]LTEQLEQFKR